The following is an entry in ClinVar:

ClinVar aggregate classification (germline): Uncertain significance (1 of 4 stars; one submission).

gnomAD v4.1: 34 of 1,551,014 alleles (0.0022%); highest among the groups gnomAD compares: East Asian, 0.012%; no homozygotes.

Submission:

GeneDx
Classification: Uncertain significance. Last evaluated: 2025-05-30. Review status: criteria provided, single submitter. Criteria: GeneDx Variant Classification Process June 2021. Collection method: clinical testing. Allele origin: germline.
Comment: In silico analysis suggests that this missense variant does not alter protein structure/function; Has not been previously published as pathogenic or benign to our knowledge

NM_001367479.1(DNAH14):c.11422G>A (p.Val3808Ile)

Gene: DNAH14 (dynein axonemal heavy chain 14; plus strand). Cytogenetic location: 1q42.12.
Variant type: single nucleotide variant.
Coding change: c.11422G>A on transcript NM_001367479.1 (MANE Select); coding-DNA position 11422, G replaced by A.
Protein change: p.Val3808Ile; replaces valine 3808 with isoleucine.
Molecular consequence: missense variant.
Genome position (GRCh38, 1-based): chr1:225,351,772, G>A. VCF-style: chr1-225351772-G-A. GRCh37 (hg19) VCF-style: chr1-225539474-G-A.
Other names: NM_001373.1:c.11143G>A; short protein forms V3808I.
Identifiers: ClinVar variation 3342515 (VCV003342515.2).